The following is an entry in ClinVar:

NM_152703.5(SAMD9L):c.905G>C (p.Arg302Thr)

Gene: SAMD9L (sterile alpha motif domain containing 9 like; minus strand). Cytogenetic location: 7q21.2.
Variant type: single nucleotide variant.
Coding change: c.905G>C on transcript NM_152703.5 (MANE Select); coding-DNA position 905, G replaced by C.
Protein change: p.Arg302Thr; replaces arginine 302 with threonine.
Molecular consequence: missense variant.
Genome position (GRCh38, 1-based): chr7:93,135,067, C>G on the plus strand (G>C on the coding strand, the complement: SAMD9L is on the minus strand). VCF-style: chr7-93135067-C-G. GRCh37 (hg19) VCF-style: chr7-92764380-C-G.
Other names: c.905G>C, p.Arg302Thr (NM_001303496.3, NM_001303497.3, NM_001303498.3 and 5 more transcripts); short protein forms R302T.
Identifiers: ClinVar variation 3792186 (VCV003792186.1).

ClinVar aggregate classification (germline): Uncertain significance (1 of 4 stars; one submission).

Conditions:
Inborn genetic diseases. Identifiers: MedGen C0950123, MeSH D030342.

gnomAD v4.1: 2 of 1,613,136 alleles (0.00012%); highest among the groups gnomAD compares: Non-Finnish European, 0.00017%; no homozygotes.

Submission:

Ambry Genetics
Classification: Uncertain significance for Inborn genetic diseases. Last evaluated: 2024-12-12. Review status: criteria provided, single submitter. Criteria: Ambry Variant Classification Scheme 2023. Collection method: clinical testing. Allele origin: germline.
Comment: The p.R302T variant (also known as c.905G>C), located in coding exon 1 of the SAMD9L gene, results from a G to C substitution at nucleotide position 905. The arginine at codon 302 is replaced by threonine, an amino acid with similar properties. This amino acid position is conserved. In addition, this alteration is predicted to be tolerated by in silico analysis. Based on the available evidence, the clinical significance of this variant remains unclear.